The following is an entry in ClinVar:

NM_024334.3(TMEM43):c.646G>A (p.Val216Met)

Gene: TMEM43 (transmembrane protein 43; plus strand). Cytogenetic location: 3p25.1.
Variant type: single nucleotide variant.
Coding change: c.646G>A on transcript NM_024334.3 (MANE Select); coding-DNA position 646, G replaced by A.
Protein change: p.Val216Met; replaces valine 216 with methionine.
Molecular consequence: missense variant.
Genome position (GRCh38, 1-based): chr3:14,134,832, G>A. VCF-style: chr3-14134832-G-A. GRCh37 (hg19) VCF-style: chr3-14176332-G-A.
Other names: short protein forms V216M.
Identifiers: ClinVar variation 922755 (VCV000922755.16), dbSNP rs143735210, ClinGen allele CA054724.

ClinVar aggregate classification (germline): Conflicting classifications of pathogenicity. Review status: criteria provided, conflicting classifications (1 of 4 stars). 7 submissions from 7 submitters: Uncertain significance (6); Likely benign (1). Last evaluated 2026-04-01.

Conditions:
Cardiovascular phenotype. Identifiers: MedGen CN230736.
Cardiomyopathy (CMYO). Also called: Cardiomyopathies. Identifiers: Orphanet 167848, MedGen C0878544, MONDO:0004994, HP:0001638. Inheritance: Various modes of inheritance.
TMEM43-related disorder. Also called: TMEM43-related condition.
Arrhythmogenic right ventricular dysplasia 5. Also called: ARRHYTHMOGENIC RIGHT VENTRICULAR DYSPLASIA, FAMILIAL, 5; Arrhythmogenic Right Ventricular Dysplasia/Cardiomyopathy 5. Identifiers: MedGen C1858379, MONDO:0011459, OMIM 604400.

Allele frequency attached by ClinVar (database versions not stated): gnomAD 0.00001 and 0.00002; 1000 Genomes Project 0.00020; 1000 Genomes Project 30x 0.00031.
gnomAD v4.1: 46 of 1,614,196 alleles (0.0028%); highest among the groups gnomAD compares: Non-Finnish European, 0.0036%; no homozygotes.

Submissions (7):

PreventionGenetics, part of Exact Sciences
Classification: Uncertain significance for TMEM43-related condition. Last evaluated: 2026-04-01. Review status: criteria provided, single submitter. Criteria: ACMG Guidelines, 2015. Collection method: clinical testing. Allele origin: germline.
Comment: The TMEM43 c.646G>A variant is predicted to result in the amino acid substitution p.Val216Met. To our knowledge, this variant has not been reported in the literature. This variant is reported in 0.0062% of alleles in individuals of African descent in gnomAD. At this time, the clinical significance of this variant is uncertain due to the absence of conclusive functional and genetic evidence.

Labcorp Genetics (formerly Invitae), Labcorp
Classification: Uncertain significance for Arrhythmogenic right ventricular dysplasia 5. Last evaluated: 2025-08-11. Review status: criteria provided, single submitter. Criteria: Invitae Variant Classification Sherloc (09022015). Collection method: clinical testing. Allele origin: germline.
Comment: This sequence change replaces valine, which is neutral and non-polar, with methionine, which is neutral and non-polar, at codon 216 of the TMEM43 protein (p.Val216Met). This variant is present in population databases (rs143735210, gnomAD 0.007%). This variant has not been reported in the literature in individuals affected with TMEM43-related conditions. ClinVar contains an entry for this variant (Variation ID: 922755). Invitae Evidence Modeling of protein sequence and biophysical properties (such as structural, functional, and spatial information, amino acid conservation, physicochemical variation, residue mobility, and thermodynamic stability) indicates that this missense variant is not expected to disrupt TMEM43 protein function with a negative predictive value of 80%. In summary, the available evidence is currently insufficient to determine the role of this variant in disease. Therefore, it has been classified as a Variant of Uncertain Significance.

All of Us Research Program, National Institutes of Health
Classification: Uncertain significance for Arrhythmogenic right ventricular dysplasia 5. Last evaluated: 2024-08-13. Review status: criteria provided, single submitter. Criteria: ACMG Guidelines, 2015. Collection method: clinical testing. Allele origin: germline. Inheritance: Autosomal dominant inheritance. Observed: 9 variant alleles, 9 heterozygotes.
Comment: This missense variant replaces valine with methionine at codon 216 of the TMEM43 protein. Computational prediction suggests that this variant may not impact protein structure and function (internally defined REVEL score threshold <= 0.5, PMID: 27666373). To our knowledge, functional studies have not been reported for this variant. This variant has not been reported in individuals affected with cardiovascular disorders in the literature. This variant has been identified in 5/251336 chromosomes in the general population by the Genome Aggregation Database (gnomAD). The available evidence is insufficient to determine the role of this variant in disease conclusively. Therefore, this variant is classified as a Variant of Uncertain Significance.

This study involves interpretation of variants in research participants for the purpose of population health screening. Participant phenotype was not available at the time of variant classification. Additional details can be found in publication PMID: 35346344, PMCID: PMC8962531

Ambry Genetics
Classification: Likely benign for Cardiovascular phenotype. Last evaluated: 2024-01-16. Review status: criteria provided, single submitter. Criteria: Ambry Variant Classification Scheme 2023. Collection method: clinical testing. Allele origin: germline.

Color Diagnostics, LLC DBA Color Health
Classification: Uncertain significance for Cardiomyopathy. Last evaluated: 2023-12-13. Review status: criteria provided, single submitter. Criteria: ACMG Guidelines, 2015. Collection method: clinical testing. Allele origin: germline.
Comment: This missense variant replaces valine with methionine at codon 216 of the TMEM43 protein. Computational prediction suggests that this variant may not impact protein structure and function (internally defined REVEL score threshold <= 0.5, PMID: 27666373). To our knowledge, functional studies have not been reported for this variant. This variant has not been reported in individuals affected with cardiovascular disorders in the literature. This variant has been identified in 5/251336 chromosomes in the general population by the Genome Aggregation Database (gnomAD). The available evidence is insufficient to determine the role of this variant in disease conclusively. Therefore, this variant is classified as a Variant of Uncertain Significance.

Women's Health and Genetics/Laboratory Corporation of America, LabCorp
Classification: Uncertain significance. Last evaluated: 2023-08-19. Review status: criteria provided, single submitter. Criteria: LabCorp Variant Classification Summary - May 2015. Collection method: clinical testing. Allele origin: germline.

Blueprint Genetics
Classification: Uncertain significance. Last evaluated: 2023-06-01. Review status: criteria provided, single submitter. Criteria: ACMG Guidelines, 2015. Collection method: clinical testing. Allele origin: germline.